The following is an entry in ClinVar:

NM_020533.3(MCOLN1):c.1126G>A (p.Glu376Lys)

Gene: MCOLN1 (mucolipin TRP cation channel 1; plus strand). Cytogenetic location: 19p13.2.
Variant type: single nucleotide variant.
Coding change: c.1126G>A on transcript NM_020533.3 (MANE Select); coding-DNA position 1126, G replaced by A.
Protein change: p.Glu376Lys; replaces glutamic acid 376 with lysine.
Molecular consequence: missense variant.
Genome position (GRCh38, 1-based): chr19:7,528,962, G>A. VCF-style: chr19-7528962-G-A. GRCh37 (hg19) VCF-style: chr19-7593848-G-A.
Other names: short protein forms E376K.
Identifiers: ClinVar variation 2202187 (VCV002202187.1), dbSNP rs2512472425, ClinGen allele CA403086395.

ClinVar aggregate classification (germline): Uncertain significance (1 of 4 stars; one submission).

Conditions:
Mucolipidosis type IV (ML4). Also called: ML IV. Identifiers: Orphanet 578, MedGen C0238286, MONDO:0009653, OMIM 252650.

Allele frequency attached by ClinVar (database versions not stated): gnomAD exomes 0.00001.
gnomAD v4.1: 11 of 1,614,082 alleles (0.00068%); highest among the groups gnomAD compares: Non-Finnish European, 0.00093%; no homozygotes.

Submission:

Labcorp Genetics (formerly Invitae), Labcorp
Classification: Uncertain significance for Mucolipidosis type IV. Last evaluated: 2021-09-01. Review status: criteria provided, single submitter. Criteria: Invitae Variant Classification Sherloc (09022015). Collection method: clinical testing. Allele origin: germline.
Comment: This sequence change replaces glutamic acid with lysine at codon 376 of the MCOLN1 protein (p.Glu376Lys). The glutamic acid residue is highly conserved and there is a small physicochemical difference between glutamic acid and lysine. This variant is not present in population databases (ExAC no frequency). This variant has not been reported in the literature in individuals affected with MCOLN1-related conditions. Algorithms developed to predict the effect of missense changes on protein structure and function (SIFT, PolyPhen-2, Align-GVGD) all suggest that this variant is likely to be disruptive. In summary, the available evidence is currently insufficient to determine the role of this variant in disease. Therefore, it has been classified as a Variant of Uncertain Significance.